The following is an entry in ClinVar:

ClinVar aggregate classification (germline): Pathogenic (3 of 4 stars; one submission).

Conditions:
Breast-ovarian cancer, familial, susceptibility to, 2 (BROVCA2). Also called: BRCA2 Hereditary Breast and Ovarian Cancer. Identifiers: Orphanet 145, MedGen C2675520, MONDO:0012933, OMIM 612555. Disease mechanism: loss of function.

Submission:

Evidence-based Network for the Interpretation of Germline Mutant Alleles (ENIGMA)
Classification: Pathogenic for Breast-ovarian cancer, familial, susceptibility to, 2. Last evaluated: 2016-09-08. Review status: reviewed by expert panel. Criteria: ENIGMA BRCA1/2 Classification Criteria (2015). Collection method: curation. Allele origin: germline.
Comment: Variant allele predicted to encode a truncated non-functional protein.

NM_000059.4(BRCA2):c.1507_1508del (p.Lys503fs)

Gene: BRCA2 (BRCA2 DNA repair associated; plus strand). Cytogenetic location: 13q13.1.
Variant type: Deletion.
Coding change: c.1507_1508del on transcript NM_000059.4 (MANE Select); coding-DNA positions 1507 to 1508, 2 bases deleted (AA; older notation c.1507_1508delAA).
Protein change: p.Lys503fs; shifts the reading frame from lysine 503.
Molecular consequence: frameshift variant.
Genome position (GRCh38, 1-based): chr13:32,332,985-32,332,986, AA deleted; deleting any 2 consecutive bases within chr13:32,332,982-32,332,986 gives the same sequence; the c. name uses the placement nearest the transcript's 3' end. VCF-style (leftmost placement, unchanged base first): chr13-32332981-CAA-C. GRCh37 (hg19) VCF-style: chr13-32907118-CAA-C.
Other names: c.1507_1508delAA (NM_000059.3); short protein forms K503fs.
Identifiers: ClinVar variation 254493 (VCV000254493.2), dbSNP rs886038066, ClinGen allele CA10586496.
Genomic context (GRCh38, chr13:32,332,981, plus strand): 5'-TCTTGCAGTAAAGCAGGCAATATCTGGAACTTCTCCAGTGGCTTCTTCATTTCAGGGTAT[CAA>C]AAAGTCTATATTCAGAATAAGAGAATCACCTAAAGAGACTTTCAATGCAAGTTTTTCAGG-3'